The following is an entry in ClinVar:

NM_001354930.2(RIPK1):c.430A>G (p.Ile144Val)

Gene: RIPK1 (receptor interacting serine/threonine kinase 1; plus strand). Cytogenetic location: 6p25.2.
Variant type: single nucleotide variant.
Coding change: c.430A>G on transcript NM_001354930.2 (MANE Select); coding-DNA position 430, A replaced by G.
Protein change: p.Ile144Val; replaces isoleucine 144 with valine.
Molecular consequence: missense variant. On other transcripts: 5 prime UTR variant (4), intron variant (1).
Genome position (GRCh38, 1-based): chr6:3,081,087, A>G. VCF-style: chr6-3081087-A-G. GRCh37 (hg19) VCF-style: chr6-3081321-A-G.
Other names: c.-174A>G (NM_001317061.3, NM_001354932.2, NM_001354933.2 and 1 more transcripts); c.430A>G, p.Ile144Val (NM_003804.6); c.322-1998A>G (NM_001354931.2); short protein forms I144V.
Identifiers: ClinVar variation 2061453 (VCV002061453.4), dbSNP rs2533182717, ClinGen allele CA362577168.

ClinVar aggregate classification (germline): Uncertain significance (1 of 4 stars; one submission).

Submission:

Labcorp Genetics (formerly Invitae), Labcorp
Classification: Uncertain significance. Last evaluated: 2022-11-15. Review status: criteria provided, single submitter. Criteria: Invitae Variant Classification Sherloc (09022015). Collection method: clinical testing. Allele origin: germline.
Comment: In summary, the available evidence is currently insufficient to determine the role of this variant in disease. Therefore, it has been classified as a Variant of Uncertain Significance. Algorithms developed to predict the effect of missense changes on protein structure and function are either unavailable or do not agree on the potential impact of this missense change (SIFT: "Not Available"; PolyPhen-2: "Possibly Damaging"; Align-GVGD: "Not Available"). This variant has not been reported in the literature in individuals affected with RIPK1-related conditions. This variant is not present in population databases (gnomAD no frequency). This sequence change replaces isoleucine, which is neutral and non-polar, with valine, which is neutral and non-polar, at codon 144 of the RIPK1 protein (p.Ile144Val).